The following is an entry in ClinVar:

NM_000091.5(COL4A3):c.2479G>A (p.Gly827Arg)

Genes: MFF-DT (MFF divergent transcript; minus strand), COL4A3 (collagen type IV alpha 3 chain; plus strand). Cytogenetic location: 2q36.3.
Variant type: single nucleotide variant.
Coding change: c.2479G>A on transcript NM_000091.5 (MANE Select); coding-DNA position 2479, G replaced by A.
Protein change: p.Gly827Arg; replaces glycine 827 with arginine.
Molecular consequence: missense variant.
Genome position (GRCh38, 1-based): chr2:227,280,997, G>A. VCF-style: chr2-227280997-G-A. GRCh37 (hg19) VCF-style: chr2-228145713-G-A.
Other names: short protein forms G827R.
Identifiers: ClinVar variation 4817222 (VCV004817222.2).

ClinVar aggregate classification (germline): Likely pathogenic. Review status: criteria provided, multiple submitters, no conflicts (2 of 4 stars). 2 submissions from 2 submitters: Likely pathogenic (2). Last evaluated 2026-03-31.

Conditions:
Alport syndrome. Also called: Hemorrhagic familial nephritis; Hemorrhagic hereditary nephritis; Congenital hereditary hematuria. Identifiers: Orphanet 63, MedGen C1567741, MONDO:0018965.
Hematuria. Identifiers: MedGen C0018965, HP:0000790.

Submissions (2):

Genetics Laboratory, Great Ormond Street Hospital NHS Foundation Trust, North Thames Genomic Laboratory Hub
Classification: Likely pathogenic for Haematuria. Last evaluated: 2026-03-31. Review status: criteria provided, single submitter. Criteria: ACGS Best Practice Guidelines for Variant Classification in Rare Disease 2024 v1.2. Collection method: clinical testing. Allele origin: germline. Affected: yes.
Comment: PM2_moderate, PP3_supporting, PM1_strong, PP4_moderate

Natera, Inc.
Classification: Likely pathogenic for Alport syndrome. Last evaluated: 2026-01-23. Review status: criteria provided, single submitter. Criteria: Natera Variant Classification Schema (03/2026). Collection method: clinical testing. Allele origin: germline.
Comment: The c.2479G>A variant in COL4A3 is a missense variant predicted to cause substitution of glycine to arginine at amino acid 827. This variant is rare in the general population with a frequency below the threshold expected for the associated phenotype(s). This variant is located in a functionally critical region of the protein. Computational prediction algorithms indicate this variant is likely to affect gene or protein function. Given the available evidence, this variant is classified as Likely Pathogenic.